The following is an entry in ClinVar:

NM_005120.3(MED12):c.100-19C>T

Gene: MED12 (mediator complex subunit 12; plus strand). Cytogenetic location: Xq13.1.
Variant type: single nucleotide variant.
Coding change: c.100-19C>T on transcript NM_005120.3 (MANE Select); 19 bases into the intron before coding-DNA position 100, C replaced by T.
Molecular consequence: intron variant.
Genome position (GRCh38, 1-based): chrX:71,119,354, C>T. VCF-style: chrX-71119354-C-T. GRCh37 (hg19) VCF-style: chrX-70339204-C-T.
Identifiers: ClinVar variation 381897 (VCV000381897.6), dbSNP rs930154299, ClinGen allele CA16608549.

ClinVar aggregate classification (germline): Likely benign. Review status: criteria provided, multiple submitters, no conflicts (2 of 4 stars). 2 submissions from 2 submitters: Likely benign (2). Last evaluated 2026-01-04.

Conditions:
FG syndrome (FGS). Identifiers: MedGen C0220769, MONDO:0002010.

Allele frequency attached by ClinVar (database versions not stated): gnomAD exomes 0.00002; gnomAD 0.00003; TOPMed 0.00005.
gnomAD v4.1: 22 of 1,152,028 alleles (0.0019%); highest among the groups gnomAD compares: East Asian, 0.0031%; no homozygotes.

Submissions (2):

Labcorp Genetics (formerly Invitae), Labcorp
Classification: Likely benign for FG syndrome. Last evaluated: 2026-01-04. Review status: criteria provided, single submitter. Criteria: Invitae Variant Classification Sherloc (09022015). Collection method: clinical testing. Allele origin: germline.

GeneDx
Classification: Likely benign. Last evaluated: 2017-05-15. Review status: criteria provided, single submitter. Criteria: GeneDx Variant Classification (06012015). Collection method: clinical testing. Allele origin: germline. Affected: yes.
Comment: This variant is considered likely benign or benign based on one or more of the following criteria: it is a conservative change, it occurs at a poorly conserved position in the protein, it is predicted to be benign by multiple in silico algorithms, and/or has population frequency not consistent with disease.